The following is an entry in ClinVar:

ClinVar aggregate classification (germline): Conflicting classifications of pathogenicity. Review status: criteria provided, conflicting classifications (1 of 4 stars). 4 submissions from 4 submitters: Uncertain significance (1); Likely benign (3). Last evaluated 2025-10-19.

Conditions:
Charcot-Marie-Tooth disease axonal type 2U. Also called: CHARCOT-MARIE-TOOTH NEUROPATHY, TYPE 2U; CHARCOT-MARIE-TOOTH DISEASE, AXONAL, AUTOSOMAL DOMINANT, TYPE 2U. Identifiers: Orphanet 397735, MedGen C4084821, MONDO:0014566, OMIM 616280.
Severe early-onset pulmonary alveolar proteinosis due to MARS deficiency. Also called: PULMONARY ALVEOLAR PROTEINOSIS, REUNION ISLAND; Interstitial lung and liver disease. Identifiers: Orphanet 440427, MedGen C4225400, MONDO:0014206, OMIM 615486.

Allele frequency attached by ClinVar (database versions not stated): ExAC 0.00002; TOPMed 0.00003; gnomAD exomes 0.00004; ESP Exome Variant Server 0.00008.
gnomAD v4.1: 56 of 1,613,920 alleles (0.0035%); highest among the groups gnomAD compares: Middle Eastern, 0.016%; no homozygotes.

Submissions (4):

Labcorp Genetics (formerly Invitae), Labcorp
Classification: Likely benign for Charcot-Marie-Tooth disease axonal type 2U; Severe early-onset pulmonary alveolar proteinosis due to MARS deficiency. Last evaluated: 2025-10-19. Review status: criteria provided, single submitter. Criteria: Invitae Variant Classification Sherloc (09022015). Collection method: clinical testing. Allele origin: germline.

Women's Health and Genetics/Laboratory Corporation of America, LabCorp
Classification: Likely benign. Last evaluated: 2024-12-11. Review status: criteria provided, single submitter. Criteria: LabCorp Variant Classification Summary - May 2015. Collection method: clinical testing. Allele origin: germline.
Comment: Variant summary: MARS1 c.747G>A alters a non-conserved nucleotide resulting in a synonymous change. Consensus agreement among computation tools predict no significant impact on normal splicing. However, these predictions have yet to be confirmed by functional studies. The variant allele was found at a frequency of 3.4e-05 in 1606926 control chromosomes in the gnomAD database (v4.1 dataset). This frequency is not significantly higher than estimated for a pathogenic variant in MARS1 causing Severe early-onset pulmonary alveolar proteinosis due to MARS deficiency (0.0011), allowing no conclusion about variant significance. To our knowledge, no occurrence of c.747G>A in individuals affected with Severe early-onset pulmonary alveolar proteinosis due to MARS deficiency and no experimental evidence demonstrating its impact on protein function have been reported. ClinVar contains an entry for this variant (Variation ID: 444298). Based on the evidence outlined above, the variant was classified as likely benign.

Ambry Genetics
Classification: Likely benign. Last evaluated: 2019-07-11. Review status: criteria provided, single submitter. Criteria: Ambry Variant Classification Scheme 2023. Collection method: clinical testing. Allele origin: germline.

CeGaT Center for Human Genetics Tuebingen
Classification: Uncertain significance. Last evaluated: 2017-06-01. Review status: criteria provided, single submitter. Criteria: CeGaT Center For Human Genetics Tuebingen Variant Classification Criteria Version 2. Collection method: clinical testing. Allele origin: germline. Affected: yes. Observed: 1 variant allele.

NM_004990.4(MARS1):c.747G>A (p.Pro249=)

Gene: MARS1 (methionyl-tRNA synthetase 1; plus strand). Cytogenetic location: 12q13.3.
Variant type: single nucleotide variant.
Coding change: c.747G>A on transcript NM_004990.4 (MANE Select); coding-DNA position 747, G replaced by A.
Protein change: p.Pro249=; no amino-acid change (proline 249 retained).
Molecular consequence: synonymous variant.
Genome position (GRCh38, 1-based): chr12:57,490,621, G>A. VCF-style: chr12-57490621-G-A. GRCh37 (hg19) VCF-style: chr12-57884404-G-A.
Identifiers: ClinVar variation 444298 (VCV000444298.52), dbSNP rs200490364, ClinGen allele CA6650270.